The following is an entry in ClinVar:

ClinVar aggregate classification (germline): Uncertain significance (1 of 4 stars; one submission).

Conditions:
Developmental and epileptic encephalopathy, 50 (DEE50). Also called: Epileptic encephalopathy, early infantile, 50. Identifiers: Orphanet 448010, MedGen C4225320, MONDO:0014647, OMIM 616457.

Submission:

3billion
Classification: Uncertain significance for Developmental and epileptic encephalopathy, 50. Last evaluated: 2025-06-21. Review status: criteria provided, single submitter. Criteria: ACMG Guidelines, 2015. Collection method: clinical testing. Allele origin: germline. Affected: yes.
Comment: The variant is observed at an extremely low frequency in the gnomAD v4.1.0 dataset (total allele frequency: <0.001%). Predicted Consequence/Location: Intron variant In silico tools predict the variant to alter splicing and produce an abnormal transcript [SpliceAI: 0.50 (>=0.2, moderate evidence for spliceogenicity)]. Therefore, this variant is classified as VUS according to the recommendation of ACMG/AMP guideline.

NM_004341.5(CAD):c.1620+22A>G

Gene: CAD (carbamoyl-phosphate synthetase 2, aspartate transcarbamylase, and dihydroorotase; plus strand). Cytogenetic location: 2p23.3.
Variant type: single nucleotide variant.
Coding change: c.1620+22A>G on transcript NM_004341.5 (MANE Select); 22 bases into the intron after coding-DNA position 1620, A replaced by G.
Molecular consequence: intron variant.
Genome position (GRCh38, 1-based): chr2:27,225,265, A>G. VCF-style: chr2-27225265-A-G. GRCh37 (hg19) VCF-style: chr2-27448133-A-G.
Other names: c.1620+22A>G (NM_001306079.2).
Identifiers: ClinVar variation 4855605 (VCV004855605.1).